The following is an entry in ClinVar:

NM_177965.4(CFAP418):c.299T>G (p.Leu100Arg)

Gene: CFAP418 (cilia and flagella associated protein 418; minus strand). Cytogenetic location: 8q22.1.
Variant type: single nucleotide variant.
Coding change: c.299T>G on transcript NM_177965.4 (MANE Select); coding-DNA position 299, T replaced by G.
Protein change: p.Leu100Arg; replaces leucine 100 with arginine.
Molecular consequence: missense variant.
Genome position (GRCh38, 1-based): chr8:95,260,477, A>C on the plus strand (T>G on the coding strand, the complement: CFAP418 is on the minus strand). VCF-style: chr8-95260477-A-C. GRCh37 (hg19) VCF-style: chr8-96272705-A-C.
Other names: c.299T>G, p.Leu100Arg (NM_001363260.1); short protein forms L100R.
Identifiers: ClinVar variation 1939067 (VCV001939067.5), dbSNP rs1811868627, ClinGen allele CA371837377.

ClinVar aggregate classification (germline): Uncertain significance (1 of 4 stars; one submission).

Submission:

Labcorp Genetics (formerly Invitae), Labcorp
Classification: Uncertain significance. Last evaluated: 2022-05-03. Review status: criteria provided, single submitter. Criteria: Invitae Variant Classification Sherloc (09022015). Collection method: clinical testing. Allele origin: germline.
Comment: In summary, the available evidence is currently insufficient to determine the role of this variant in disease. Therefore, it has been classified as a Variant of Uncertain Significance. Algorithms developed to predict the effect of missense changes on protein structure and function output the following: SIFT: "Deleterious"; PolyPhen-2: "Benign"; Align-GVGD: "Class C0". The arginine amino acid residue is found in multiple mammalian species, which suggests that this missense change does not adversely affect protein function. This variant has not been reported in the literature in individuals affected with C8orf37-related conditions. This variant is not present in population databases (gnomAD no frequency). This sequence change replaces leucine, which is neutral and non-polar, with arginine, which is basic and polar, at codon 100 of the C8orf37 protein (p.Leu100Arg).